The following is an entry in ClinVar:

NM_001042517.2(DIAPH3):c.2508_2509dup (p.Ser837fs)

Gene: DIAPH3 (diaphanous related formin 3; minus strand). Cytogenetic location: 13q21.2.
Variant type: Duplication.
Coding change: c.2508_2509dup on transcript NM_001042517.2 (MANE Select); coding-DNA positions 2508 to 2509, 2 bases duplicated (TA; older notation c.2508_2509dupTA).
Protein change: p.Ser837fs; shifts the reading frame from serine 837.
Molecular consequence: frameshift variant.
Genome position (GRCh38, 1-based): chr13:59,879,327-59,879,328, TA duplicated on the plus strand (TA on the coding strand, the reverse complement: DIAPH3 is on the minus strand). VCF-style (leftmost placement, unchanged base first): chr13-59879326-C-CTA. GRCh37 (hg19) VCF-style: chr13-60453460-C-CTA.
Other names: c.2475_2476dup, p.Ser826fs (NM_001258366.2); c.2370_2371dup, p.Ser791fs (NM_001258367.2); c.2298_2299dup, p.Ser767fs (NM_001258368.2); c.2508_2509dup, p.Ser837fs (NM_001258369.2); c.1719_1720dup, p.Ser574fs (NM_001258370.2, NM_030932.4); short protein forms S791fs, S837fs, S574fs, S767fs, S826fs.
Identifiers: ClinVar variation 1415085 (VCV001415085.6), dbSNP rs761037817, ClinGen allele CA6996368.
Genomic context (GRCh38, chr13:59,879,326, plus strand): 5'-GCATTCCGGGAGCCAGCATTCATGTAGTTTCCCATTAGCAATACAAGTTCCAGCAACTTG[C>CTA]TAAAGCTTTTGCTCTTCTTTATCTCTTCGCAGGCAGTACTGACAGCCATGATGTCAGGTT-3'

ClinVar aggregate classification (germline): Uncertain significance (1 of 4 stars; one submission).

Allele frequency attached by ClinVar (database versions not stated): gnomAD exomes below 0.00001; ExAC 0.00001; gnomAD 0.00001; TOPMed 0.00001.

Submission:

Labcorp Genetics (formerly Invitae), Labcorp
Classification: Uncertain significance. Last evaluated: 2023-04-06. Review status: criteria provided, single submitter. Criteria: Invitae Variant Classification Sherloc (09022015). Collection method: clinical testing. Allele origin: germline.
Comment: This sequence change creates a premature translational stop signal (p.Ser837Ilefs*10) in the DIAPH3 gene. It is expected to result in an absent or disrupted protein product. However, the current clinical and genetic evidence is not sufficient to establish whether loss-of-function variants in DIAPH3 cause disease. This variant is present in population databases (rs761037817, gnomAD 0.0009%). This variant has not been reported in the literature in individuals affected with DIAPH3-related conditions. ClinVar contains an entry for this variant (Variation ID: 1415085). In summary, the available evidence is currently insufficient to determine the role of this variant in disease. Therefore, it has been classified as a Variant of Uncertain Significance.